The following is an entry in ClinVar:

ClinVar aggregate classification (germline): Uncertain significance (1 of 4 stars; one submission).

Submission:

Labcorp Genetics (formerly Invitae), Labcorp
Classification: Uncertain significance. Last evaluated: 2019-05-14. Review status: criteria provided, single submitter. Criteria: Invitae Variant Classification Sherloc (09022015). Collection method: clinical testing. Allele origin: germline.
Comment: This sequence change replaces glutamine with proline at codon 593 of the FBXO11 protein (p.Gln593Pro). The glutamine residue is highly conserved and there is a moderate physicochemical difference between glutamine and proline. This variant is not present in population databases (ExAC no frequency). This variant has not been reported in the literature in individuals with FBXO11-related conditions. Algorithms developed to predict the effect of missense changes on protein structure and function are either unavailable or do not agree on the potential impact of this missense change (SIFT: "Tolerated"; PolyPhen-2: "Probably Damaging"; Align-GVGD: "Class C0"). In summary, the available evidence is currently insufficient to determine the role of this variant in disease. Therefore, it has been classified as a Variant of Uncertain Significance.

NM_001190274.2(FBXO11):c.1778A>C (p.Gln593Pro)

Gene: FBXO11 (F-box protein 11; minus strand). Cytogenetic location: 2p16.3.
Variant type: single nucleotide variant.
Coding change: c.1778A>C on transcript NM_001190274.2 (MANE Select); coding-DNA position 1778, A replaced by C.
Protein change: p.Gln593Pro; replaces glutamine 593 with proline.
Molecular consequence: missense variant.
Genome position (GRCh38, 1-based): chr2:47,820,381, T>G on the plus strand (A>C on the coding strand, the complement: FBXO11 is on the minus strand). VCF-style: chr2-47820381-T-G. GRCh37 (hg19) VCF-style: chr2-48047520-T-G.
Other names: c.1526A>C, p.Gln509Pro (NM_001374325.1, NM_025133.4); short protein forms Q593P, Q509P.
Identifiers: ClinVar variation 852963 (VCV000852963.9), dbSNP rs1671296431, ClinGen allele CA346764245.
Genomic context (GRCh38, chr2:47,820,381, plus strand): 5'-TTGATGCATGAGTTTATAGGGAACTATATACATTAACTTACCACATAAATCCCACCATGC[T>G]GGCCATCATGAATTTTGTTATGCCGAACAATTGGACAACTGTTTGTCCTAATTTGAATTC-3'
Protein context (NP_001177203.1, residues 583-603): IVRHNKIHDG[Gln593Pro]HGGIYVHEKG